The following is an entry in ClinVar:

NM_153366.4(SVEP1):c.2322C>T (p.Gly774=)

Gene: SVEP1 (sushi, von Willebrand factor type A, EGF and pentraxin domain containing 1; minus strand). Cytogenetic location: 9q31.3.
Variant type: single nucleotide variant.
Coding change: c.2322C>T on transcript NM_153366.4 (MANE Select); coding-DNA position 2322, C replaced by T.
Protein change: p.Gly774=; no amino-acid change (glycine 774 retained).
Molecular consequence: synonymous variant.
Genome position (GRCh38, 1-based): chr9:110,481,285, G>A on the plus strand (C>T on the coding strand, the complement: SVEP1 is on the minus strand). VCF-style: chr9-110481285-G-A. GRCh37 (hg19) VCF-style: chr9-113243565-G-A.
Identifiers: ClinVar variation 2659420 (VCV002659420.24), dbSNP rs759880990, ClinGen allele CA5183344.
Genomic context (GRCh38, chr9:110,481,285, plus strand): 5'-ATAAAATTAAAACTTACTGGCACAGTCTGGCCATTCAGTGGTATATGTTGGTTTCCAGAC[G>A]CCATCTTCATAAGCACAATAATACTTGTCAGTAGACCCTTCTGTGAAATCATAGCCCTCC-3'
Protein context (NP_699197.3, residues 764-784): TDKYYCAYED[Gly774=]VWKPTYTTEW

ClinVar aggregate classification (germline): Likely benign (1 of 4 stars; one submission).

Allele frequency attached by ClinVar (database versions not stated): gnomAD 0.00001; TOPMed 0.00003; ExAC 0.00004.
gnomAD v4.1: 14 of 1,603,412 alleles (0.00087%); highest among the groups gnomAD compares: African/African-American, 0.0027%; no homozygotes.

Submission:

CeGaT Center for Human Genetics Tuebingen
Classification: Likely benign. Last evaluated: 2022-10-01. Review status: criteria provided, single submitter. Criteria: CeGaT Center For Human Genetics Tuebingen Variant Classification Criteria Version 2. Collection method: clinical testing. Allele origin: germline. Affected: yes. Observed: 1 variant allele.
Comment: SVEP1: BP4, BP7